The following is an entry in ClinVar:

NM_001009944.3(PKD1):c.9715G>A (p.Asp3239Asn)

Gene: PKD1 (polycystin 1, transient receptor potential channel interacting; minus strand). Cytogenetic location: 16p13.3.
Variant type: single nucleotide variant.
Coding change: c.9715G>A on transcript NM_001009944.3 (MANE Select); coding-DNA position 9715, G replaced by A.
Protein change: p.Asp3239Asn; replaces aspartic acid 3239 with asparagine.
Molecular consequence: missense variant.
Genome position (GRCh38, 1-based): chr16:2,100,069, C>T on the plus strand (G>A on the coding strand, the complement: PKD1 is on the minus strand). VCF-style: chr16-2100069-C-T. GRCh37 (hg19) VCF-style: chr16-2150070-C-T.
Other names: c.9715G>A, p.Asp3239Asn (NM_000296.4); c.9715G>A (NM_000296.3); short protein forms D3239N.
Identifiers: ClinVar variation 2504557 (VCV002504557.4), dbSNP rs774484157, ClinGen allele CA7829933.

ClinVar aggregate classification (germline): Uncertain significance. Review status: criteria provided, multiple submitters, no conflicts (2 of 4 stars). 4 submissions from 4 submitters: Uncertain significance (4). Last evaluated 2024-09-20.

Conditions:
Inborn genetic diseases. Identifiers: MedGen C0950123, MeSH D030342.
Polycystic kidney disease, adult type (PKD1). Also called: Polycystic Kidney Disease 1, Autosomal Dominant; Polycystic kidney disease 1; Polycystic kidney disease 1, severe; Polycystic Kidney, Autosomal Dominant; POLYCYSTIC KIDNEY DISEASE, ADULT, TYPE I; POLYCYSTIC KIDNEY DISEASE 1 WITH OR WITHOUT POLYCYSTIC LIVER DISEASE. Identifiers: MedGen C3149841, MONDO:0008263, OMIM 173900.

Allele frequency attached by ClinVar (database versions not stated): TOPMed 0.00003; ExAC 0.00004.
gnomAD v4.1: 22 of 1,600,790 alleles (0.0014%); highest among the groups gnomAD compares: South Asian, 0.0078%; no homozygotes.

Submissions (4):

Ambry Genetics
Classification: Uncertain significance for Inborn genetic diseases. Last evaluated: 2024-09-20. Review status: criteria provided, single submitter. Criteria: Ambry Variant Classification Scheme 2023. Collection method: clinical testing. Allele origin: germline.

Fulgent Genetics
Classification: Uncertain significance for Polycystic kidney disease, adult type. Last evaluated: 2024-05-23. Review status: criteria provided, single submitter. Criteria: ACMG Guidelines, 2015. Collection method: clinical testing. Allele origin: germline.

Neuberg Centre For Genomic Medicine, NCGM
Classification: Uncertain significance for Polycystic kidney disease, adult type. Last evaluated: 2023-07-22. Review status: criteria provided, single submitter. Criteria: ACMG Guidelines, 2015. Collection method: clinical testing. Allele origin: germline. Inheritance: Autosomal dominant inheritance. Affected: yes.
Comment: The missense variant c.9715G>A p.Asp3239Asn in the PKD1 gene has not been reported previously as a pathogenic variant nor as a benign variant, to our knowledge. This variant is reported with the allele frequency 0.001% in the gnomAD Exomes. This variant has been reported to the ClinVar database as Uncertain Significance. However, no details are available for independent assessment. The amino acid Aspartic Acid at position 3239 is changed to an Asparagine changing protein sequence and it might alter its composition and physico-chemical properties. Multiple lines of computational evidence Polyphen - Damaging, SIFT - Damaging and MutationTaster - Disease causing predict a damaging effect on protein structure and function for this variant. The amino acid change p.Asp3239Asn in PKD1 is predicted as conserved by GERP++ and PhyloP across 100 vertebrates. For these reasons, this variant has been classified as Uncertain Significance

GeneDx
Classification: Uncertain significance. Last evaluated: 2023-05-30. Review status: criteria provided, single submitter. Criteria: GeneDx Variant Classification Process June 2021. Collection method: clinical testing. Allele origin: germline. Affected: yes.
Comment: Not observed at significant frequency in large population cohorts (gnomAD); In silico analysis supports that this missense variant has a deleterious effect on protein structure/function; Has not been previously published as pathogenic or benign to our knowledge